The following is an entry in ClinVar:

ClinVar aggregate classification (germline): Benign/Likely benign. Review status: criteria provided, multiple submitters, no conflicts (2 of 4 stars). 3 submissions from 3 submitters: Benign (1); Likely benign (2). Last evaluated 2024-09-24.

Conditions:
Hereditary cancer-predisposing syndrome. Also called: Tumor predisposition; Hereditary Cancer Syndrome; Neoplastic Syndromes, Hereditary; Hereditary neoplastic syndrome. Identifiers: Orphanet 140162, MedGen C0027672, MeSH D009386, MONDO:0015356.
Hereditary diffuse gastric adenocarcinoma (HDGC). Also called: DIFFUSE GASTRIC AND LOBULAR BREAST CANCER SYNDROME. Identifiers: Orphanet 26106, MedGen C1708349, MONDO:0007648, OMIM 137215.

gnomAD v4.1: 5 of 1,614,180 alleles (0.00031%); highest among the groups gnomAD compares: Non-Finnish European, 0.00042%; no homozygotes.

Submissions (3):

Myriad Genetics, Inc.
Classification: Benign for Hereditary diffuse gastric adenocarcinoma. Last evaluated: 2024-09-24. Review status: criteria provided, single submitter. Criteria: Myriad Autosomal Dominant, Autosomal Recessive and X-Linked Classification Criteria (2023). Collection method: clinical testing. Allele origin: unknown.
Comment: This variant is considered benign. This variant is a silent/synonymous amino acid change and it is not expected to impact splicing.

Labcorp Genetics (formerly Invitae), Labcorp
Classification: Likely benign for Hereditary diffuse gastric adenocarcinoma. Last evaluated: 2023-09-25. Review status: criteria provided, single submitter. Criteria: Invitae Variant Classification Sherloc (09022015). Collection method: clinical testing. Allele origin: germline.

Ambry Genetics
Classification: Likely benign for Hereditary cancer-predisposing syndrome. Last evaluated: 2021-10-04. Review status: criteria provided, single submitter. Criteria: Ambry Variant Classification Scheme 2023. Collection method: clinical testing. Allele origin: germline.

NM_004360.5(CDH1):c.2493C>A (p.Leu831=)

Gene: CDH1 (cadherin 1; plus strand). Cytogenetic location: 16q22.1.
Variant type: single nucleotide variant.
Coding change: c.2493C>A on transcript NM_004360.5 (MANE Select); coding-DNA position 2493, C replaced by A.
Protein change: p.Leu831=; no amino-acid change (leucine 831 retained).
Molecular consequence: synonymous variant.
Genome position (GRCh38, 1-based): chr16:68,833,343, C>A. VCF-style: chr16-68833343-C-A. GRCh37 (hg19) VCF-style: chr16-68867246-C-A.
Other names: c.2310C>A, p.Leu770= (NM_001317184.2); c.945C>A, p.Leu315= (NM_001317185.2); c.528C>A, p.Leu176= (NM_001317186.2).
Identifiers: ClinVar variation 972173 (VCV000972173.13), dbSNP rs779267700, ClinGen allele CA8130302.
Genomic context (GRCh38, chr16:68,833,343, plus strand): 5'-TCTTTAGAATCTGAAAGCGGCTGATACTGACCCCACAGCCCCGCCTTATGATTCTCTGCT[C>A]GTGTTTGACTATGAAGGAAGCGGTTCCGAAGCTGCTAGTCTGAGCTCCCTGAACTCCTCA-3'
Protein context (NP_004351.1, residues 821-841): DPTAPPYDSL[Leu831=]VFDYEGSGSE